The following is an entry in ClinVar:

NM_000059.4(BRCA2):c.9207T>A (p.Cys3069Ter)

Gene: BRCA2 (BRCA2 DNA repair associated; plus strand). Cytogenetic location: 13q13.1.
Variant type: single nucleotide variant.
Coding change: c.9207T>A on transcript NM_000059.4 (MANE Select); coding-DNA position 9207, T replaced by A.
Protein change: p.Cys3069Ter; replaces cysteine 3069 with a stop codon.
Molecular consequence: nonsense.
Genome position (GRCh38, 1-based): chr13:32,380,096, T>A. VCF-style: chr13-32380096-T-A. GRCh37 (hg19) VCF-style: chr13-32954233-T-A.
Other names: short protein forms C3069*.
Identifiers: ClinVar variation 52776 (VCV000052776.11), dbSNP rs80359183, ClinGen allele CA026033.

ClinVar aggregate classification (germline): Pathogenic. Review status: reviewed by expert panel (3 of 4 stars). 5 submissions from 5 submitters: Pathogenic (1). 4 of the submissions do not count toward it. Last evaluated 2016-09-08.

Conditions:
Hereditary breast ovarian cancer syndrome. Also called: Hereditary breast and ovarian cancer syndrome; Hereditary breast and ovarian cancer; Hereditary breast and ovarian cancer syndrome (HBOC); Breast and ovarian cancer; Hereditary breast and/or ovarian cancer syndrome; BRCA1- and BRCA2-Associated Hereditary Breast and Ovarian Cancer. Identifiers: Orphanet 145, MedGen C0677776, MeSH D061325, MONDO:0003582. Disease mechanism: loss of function.
Hereditary cancer-predisposing syndrome. Also called: Neoplastic Syndromes, Hereditary; Tumor predisposition; Hereditary neoplastic syndrome; Hereditary Cancer Syndrome. Identifiers: Orphanet 140162, MedGen C0027672, MeSH D009386, MONDO:0015356.
Breast-ovarian cancer, familial, susceptibility to, 2 (BROVCA2). Also called: BRCA2 Hereditary Breast and Ovarian Cancer. Identifiers: Orphanet 145, MedGen C2675520, MONDO:0012933, OMIM 612555. Disease mechanism: loss of function.

Submissions (5):

Evidence-based Network for the Interpretation of Germline Mutant Alleles (ENIGMA)
Classification: Pathogenic for Breast-ovarian cancer, familial, susceptibility to, 2. Last evaluated: 2016-09-08. Review status: reviewed by expert panel. Criteria: ENIGMA BRCA1/2 Classification Criteria (2015). Collection method: curation. Allele origin: germline.
Comment: Variant allele predicted to encode a truncated non-functional protein.

Labcorp Genetics (formerly Invitae), Labcorp
Classification: Pathogenic for Hereditary breast ovarian cancer syndrome. Last evaluated: 2024-05-15. Review status: criteria provided, single submitter. Criteria: Invitae Variant Classification Sherloc (09022015). Collection method: clinical testing. Allele origin: germline. Not counted in ClinVar's aggregate classification.
Comment: This sequence change creates a premature translational stop signal (p.Cys3069*) in the BRCA2 gene. It is expected to result in an absent or disrupted protein product. Loss-of-function variants in BRCA2 are known to be pathogenic (PMID: 20104584). This variant is not present in population databases (gnomAD no frequency). This premature translational stop signal has been observed in individual(s) with breast cancer, Fanconi anemia, and/or prostate cancer (PMID: 14559878). In at least one individual the data is consistent with being in trans (on the opposite chromosome) from a pathogenic variant. This variant is also known as 9435T>A. ClinVar contains an entry for this variant (Variation ID: 52776). For these reasons, this variant has been classified as Pathogenic.

Ambry Genetics
Classification: Pathogenic for Hereditary cancer-predisposing syndrome. Last evaluated: 2023-11-16. Review status: criteria provided, single submitter. Criteria: Ambry Variant Classification Scheme 2023. Collection method: clinical testing. Allele origin: germline. Not counted in ClinVar's aggregate classification.
Comment: The p.C3069* pathogenic mutation (also known as c.9207T>A), located in coding exon 23 of the BRCA2 gene, results from a T to A substitution at nucleotide position 9207. This changes the amino acid from a cysteine to a stop codon within coding exon 23. This alteration has been confirmed in trans with 6174delT in multiple individuals diagnosed with Fanconi anemia from the same family (Offit K et al. J Natl Cancer Inst, 2003 Oct;95:1548-51). Of note, this alteration is also known as 9435T>A in published literature. This variant is considered to be rare based on population cohorts in the Genome Aggregation Database (gnomAD). In addition to the clinical data presented in the literature, this alteration is expected to result in loss of function by premature protein truncation or nonsense-mediated mRNA decay. As such, this alteration is interpreted as a disease-causing mutation.

Consortium of Investigators of Modifiers of BRCA1/2 (CIMBA), c/o University of Cambridge
Classification: Pathogenic for Breast-ovarian cancer, familial, susceptibility to, 2. Last evaluated: 2015-10-02. Review status: criteria provided, single submitter. Criteria: CIMBA Mutation Classification guidelines May 2016. Collection method: clinical testing. Allele origin: germline. Not counted in ClinVar's aggregate classification.

Breast Cancer Information Core (BIC) (BRCA2)
Classification: Pathogenic for Breast-ovarian cancer, familial 2. Last evaluated: 2004-02-20. Review status: no assertion criteria provided. Collection method: clinical testing. Allele origin: germline. Affected: yes. Observed: 2 variant alleles. Not counted in ClinVar's aggregate classification.

Literature cited by the submitters: PubMed 20104584 (cited by Labcorp Genetics (formerly Invitae), Labcorp); PubMed 14559878 (cited by Labcorp Genetics (formerly Invitae), Labcorp and Ambry Genetics).